The following is an entry in ClinVar:

ClinVar aggregate classification (germline): Uncertain significance (1 of 4 stars; one submission).

Conditions:
Hereditary cancer-predisposing syndrome. Also called: Tumor predisposition; Hereditary neoplastic syndrome; Hereditary Cancer Syndrome; Neoplastic Syndromes, Hereditary. Identifiers: Orphanet 140162, MedGen C0027672, MeSH D009386, MONDO:0015356.

Submission:

Ambry Genetics
Classification: Uncertain significance for Hereditary cancer-predisposing syndrome. Last evaluated: 2024-02-22. Review status: criteria provided, single submitter. Criteria: Ambry Variant Classification Scheme 2023. Collection method: clinical testing. Allele origin: germline.
Comment: The p.T664A variant (also known as c.1990A>G), located in coding exon 15 of the APC gene, results from an A to G substitution at nucleotide position 1990. The threonine at codon 664 is replaced by alanine, an amino acid with similar properties. This amino acid position is conserved. In addition, in silico predictors for this gene do not accurately predict pathogenicity. Based on the available evidence, the clinical significance of this alteration remains unclear.

NM_000038.6(APC):c.1990A>G (p.Thr664Ala)

Gene: APC (APC regulator of Wnt signaling pathway; plus strand). Cytogenetic location: 5q22.2.
Variant type: single nucleotide variant.
Coding change: c.1990A>G on transcript NM_000038.6 (MANE Select); coding-DNA position 1990, A replaced by G.
Protein change: p.Thr664Ala; replaces threonine 664 with alanine.
Molecular consequence: missense variant. On other transcripts: non-coding transcript variant (2).
Genome position (GRCh38, 1-based): chr5:112,837,584, A>G. VCF-style: chr5-112837584-A-G. GRCh37 (hg19) VCF-style: chr5-112173281-A-G.
Other names: c.1990A>G, p.Thr664Ala (NM_001127510.3, NM_001354895.2, NM_001407450.1); c.1936A>G, p.Thr646Ala (NM_001127511.3); c.2044A>G, p.Thr682Ala (NM_001354896.2, NM_001407447.1, NM_001407448.1 and 1 more transcripts); c.2020A>G, p.Thr674Ala (NM_001354897.2); c.1915A>G, p.Thr639Ala (NM_001354898.2); c.1906A>G, p.Thr636Ala (NM_001354899.2); c.1867A>G, p.Thr623Ala (NM_001354900.2); c.1813A>G, p.Thr605Ala (NM_001354901.2, NM_001407453.1); and 11 more; short protein forms T280A, T381A, T504A, T535A, T538A, T563A, T573A, T581A.
Identifiers: ClinVar variation 3222891 (VCV003222891.1), dbSNP rs2149858269, ClinGen allele CA16025665.